The following is an entry in ClinVar:

ClinVar aggregate classification (germline): Uncertain significance. Review status: criteria provided, multiple submitters, no conflicts (2 of 4 stars). 3 submissions from 3 submitters: Uncertain significance (3). Last evaluated 2024-05-23.

Conditions:
Inborn genetic diseases. Identifiers: MedGen C0950123, MeSH D030342.

Allele frequency attached by ClinVar (database versions not stated): gnomAD 0.00001; gnomAD exomes 0.00001 and 0.00002; TOPMed 0.00001.
gnomAD v4.1: 22 of 1,606,974 alleles (0.0014%); highest among the groups gnomAD compares: East Asian, 0.0067%; no homozygotes.

Submissions (3):

Labcorp Genetics (formerly Invitae), Labcorp
Classification: Uncertain significance. Last evaluated: 2024-05-23. Review status: criteria provided, single submitter. Criteria: Invitae Variant Classification Sherloc (09022015). Collection method: clinical testing. Allele origin: germline.
Comment: This sequence change replaces arginine, which is basic and polar, with glutamine, which is neutral and polar, at codon 524 of the TONSL protein (p.Arg524Gln). This variant is present in population databases (no rsID available, gnomAD 0.01%). This variant has not been reported in the literature in individuals affected with TONSL-related conditions. ClinVar contains an entry for this variant (Variation ID: 1491718). Advanced modeling of protein sequence and biophysical properties (such as structural, functional, and spatial information, amino acid conservation, physicochemical variation, residue mobility, and thermodynamic stability) performed at Invitae indicates that this missense variant is not expected to disrupt TONSL protein function with a negative predictive value of 80%. In summary, the available evidence is currently insufficient to determine the role of this variant in disease. Therefore, it has been classified as a Variant of Uncertain Significance.

Ambry Genetics
Classification: Uncertain significance for Inborn genetic diseases. Last evaluated: 2022-11-17. Review status: criteria provided, single submitter. Criteria: Ambry Variant Classification Scheme 2023. Collection method: clinical testing. Allele origin: germline.

Centre of Medical Genetics, University Hospital Muenster
Classification: Uncertain significance. Last evaluated: 2022-03-08. Review status: criteria provided, single submitter. Criteria: ACMG Guidelines, 2015. Collection method: clinical testing. Allele origin: unknown. Affected: yes. Observed: 1 variant allele, 1 homozygote.
Comment: ACMG categories: PM1,PM2

NM_013432.5(TONSL):c.1571G>A (p.Arg524Gln)

Genes: TONSL (tonsoku like, DNA repair protein; minus strand), TONSL-AS1 (TONSL antisense RNA 1; plus strand). Cytogenetic location: 8q24.3.
Variant type: single nucleotide variant.
Coding change: c.1571G>A on transcript NM_013432.5 (MANE Select); coding-DNA position 1571, G replaced by A.
Protein change: p.Arg524Gln; replaces arginine 524 with glutamine.
Molecular consequence: missense variant.
Genome position (GRCh38, 1-based): chr8:144,438,553, C>T on the plus strand (G>A on the coding strand, the complement: TONSL is on the minus strand). VCF-style: chr8-144438553-C-T. GRCh37 (hg19) VCF-style: chr8-145663936-C-T.
Other names: c.1571G>A (NM_013432.4); short protein forms R524Q.
Identifiers: ClinVar variation 1491718 (VCV001491718.11), dbSNP rs1401612084, ClinGen allele CA372664501.